The following is an entry in ClinVar:

ClinVar aggregate classification (germline): Uncertain significance (1 of 4 stars; one submission).

Allele frequency attached by ClinVar (database versions not stated): gnomAD 0.00001; gnomAD exomes 0.00001; TOPMed 0.00003.
gnomAD v4.1: 17 of 1,201,786 alleles (0.0014%); highest among the groups gnomAD compares: Non-Finnish European, 0.0017%; no homozygotes.

Submission:

Women's Health and Genetics/Laboratory Corporation of America, LabCorp
Classification: Uncertain significance. Last evaluated: 2024-03-29. Review status: criteria provided, single submitter. Criteria: LabCorp Variant Classification Summary - May 2015. Collection method: clinical testing. Allele origin: germline.
Comment: Variant summary: SEMA6B c.2317C>T (p.Arg773Cys) results in a non-conservative amino acid change in the encoded protein sequence. Three of five in-silico tools predict a damaging effect of the variant on protein function. The variant was absent in 198 control chromosomes. The available data on variant occurrences in the general population are insufficient to allow any conclusion about variant significance. To our knowledge, no occurrence of c.2317C>T in individuals affected with Epilepsy, Progressive Myoclonic, 11 and no experimental evidence demonstrating its impact on protein function have been reported. No submitters have cited clinical-significance assessments for this variant to ClinVar. Based on the evidence outlined above, the variant was classified as uncertain significance.

NM_032108.4(SEMA6B):c.2317C>T (p.Arg773Cys)

Gene: SEMA6B (semaphorin 6B; minus strand). Cytogenetic location: 19p13.3.
Variant type: single nucleotide variant.
Coding change: c.2317C>T on transcript NM_032108.4 (MANE Select); coding-DNA position 2317, C replaced by T.
Protein change: p.Arg773Cys; replaces arginine 773 with cysteine.
Molecular consequence: missense variant.
Genome position (GRCh38, 1-based): chr19:4,543,951, G>A on the plus strand (C>T on the coding strand, the complement: SEMA6B is on the minus strand). VCF-style: chr19-4543951-G-A. GRCh37 (hg19) VCF-style: chr19-4543963-G-A.
Other names: short protein forms R773C.
Identifiers: ClinVar variation 3233952 (VCV003233952.2), dbSNP rs965347162, ClinGen allele CA304515163.